The following is an entry in ClinVar:

ClinVar aggregate classification (germline): Conflicting classifications of pathogenicity. Review status: criteria provided, conflicting classifications (1 of 4 stars). 2 submissions from 2 submitters: Uncertain significance (1); Likely benign (1). Last evaluated 2024-10-21.

Conditions:
Norman-Roberts syndrome (LIS2). Also called: Lissencephaly 2 (Norman-Roberts type). Identifiers: Orphanet 89844, MedGen C0796089, MONDO:0009760, OMIM 257320.
Familial temporal lobe epilepsy 7. Identifiers: Orphanet 101046, MedGen C4225327, MONDO:0014639, OMIM 616436.

Allele frequency attached by ClinVar (database versions not stated): ExAC 0.00001; gnomAD exomes 0.00001; TOPMed 0.00001.
gnomAD v4.1: 3 of 1,614,064 alleles (0.00019%); highest among the groups gnomAD compares: East Asian, 0.0045%; no homozygotes.

Submissions (2):

Labcorp Genetics (formerly Invitae), Labcorp
Classification: Likely benign for Familial temporal lobe epilepsy 7; Norman-Roberts syndrome. Last evaluated: 2024-10-21. Review status: criteria provided, single submitter. Criteria: Invitae Variant Classification Sherloc (09022015). Collection method: clinical testing. Allele origin: germline.

Juno Genomics, Hangzhou Juno Genomics, Inc
Classification: Uncertain significance for Familial temporal lobe epilepsy 7; Norman-Roberts syndrome. Review status: criteria provided, single submitter. Criteria: ACMG Guidelines, 2015. Collection method: clinical testing. Allele origin: germline.
Comment: Missense variant in a gene that has a low rate of benign missense variation.;Multiple lines of computational evidence support a deleterious effect on the gene or gene product.;Absent from controls (or at extremely low frequency if recessive) in Genome Aggregation Database.

NM_005045.4(RELN):c.8446T>C (p.Trp2816Arg)

Genes: RELN (reelin; minus strand), SLC26A5-AS1 (SLC26A5 antisense RNA 1; plus strand). Cytogenetic location: 7q22.1.
Variant type: single nucleotide variant.
Coding change: c.8446T>C on transcript NM_005045.4 (MANE Select); coding-DNA position 8446, T replaced by C.
Protein change: p.Trp2816Arg; replaces tryptophan 2816 with arginine.
Molecular consequence: missense variant.
Genome position (GRCh38, 1-based): chr7:103,503,059, A>G on the plus strand (T>C on the coding strand, the complement: RELN is on the minus strand). VCF-style: chr7-103503059-A-G. GRCh37 (hg19) VCF-style: chr7-103143506-A-G.
Other names: c.8446T>C, p.Trp2816Arg (NM_173054.3); short protein forms W2816R.
Identifiers: ClinVar variation 933787 (VCV000933787.11), dbSNP rs758525714, ClinGen allele CA4420476.
Genomic context (GRCh38, chr7:103,503,059, plus strand): 5'-TTTAGTTTTCTACTTACTTTCCCACTAAGCTTTCAGGAAGTGGGTAGGTGATCCTTTTCC[A>G]CCCTTTAGTTGGAAAGAATACAGATGGCTGAGAAACACTTCCAGAGCATTTTGGGTCAGC-3'
Protein context (NP_005036.2, residues 2806-2826): QPSVFFPTKG[Trp2816Arg]KRITYPLPES